The following is an entry in ClinVar:

ClinVar aggregate classification (germline): Uncertain significance. Review status: criteria provided, multiple submitters, no conflicts (2 of 4 stars). 2 submissions from 2 submitters: Uncertain significance (2). Last evaluated 2025-07-17.

Conditions:
Juvenile myelomonocytic leukemia (JMML). Also called: LEUKEMIA, JUVENILE MYELOMONOCYTIC, SOMATIC. Identifiers: Orphanet 86834, MedGen C0349639, MONDO:0011908, OMIM 607785, HP:0012209.
Neurofibromatosis, type 1 (NF1). Also called: Peripheral type neurofibromatosis; Neurofibromatosis, type I; VON RECKLINGHAUSEN DISEASE; NEUROFIBROMATOSIS, TYPE I, SOMATIC. Identifiers: Orphanet 636, MedGen C0027831, MONDO:0018975, OMIM 162200. Disease mechanism: loss of function.

Submissions (2):

Labcorp Genetics (formerly Invitae), Labcorp
Classification: Uncertain significance for Neurofibromatosis, type 1. Last evaluated: 2025-07-17. Review status: criteria provided, single submitter. Criteria: Invitae Variant Classification Sherloc (09022015). Collection method: clinical testing. Allele origin: germline.
Comment: This sequence change replaces serine, which is neutral and polar, with leucine, which is neutral and non-polar, at codon 536 of the NF1 protein (p.Ser536Leu). This variant is not present in population databases (gnomAD no frequency). This variant has not been reported in the literature in individuals affected with NF1-related conditions. ClinVar contains an entry for this variant (Variation ID: 839398). Invitae Evidence Modeling of protein sequence and biophysical properties (such as structural, functional, and spatial information, amino acid conservation, physicochemical variation, residue mobility, and thermodynamic stability) indicates that this missense variant is not expected to disrupt NF1 protein function with a negative predictive value of 95%. In summary, the available evidence is currently insufficient to determine the role of this variant in disease. Therefore, it has been classified as a Variant of Uncertain Significance.

Baylor Genetics
Classification: Uncertain significance for Juvenile myelomonocytic leukemia. Last evaluated: 2024-03-08. Review status: criteria provided, single submitter. Criteria: ACMG Guidelines, 2015. Collection method: clinical testing. Allele origin: unknown.

NM_001042492.3(NF1):c.1607C>T (p.Ser536Leu)

Gene: NF1 (neurofibromin 1; plus strand). Cytogenetic location: 17q11.2.
Variant type: single nucleotide variant.
Coding change: c.1607C>T on transcript NM_001042492.3 (MANE Select); coding-DNA position 1607, C replaced by T.
Protein change: p.Ser536Leu; replaces serine 536 with leucine.
Molecular consequence: missense variant.
Genome position (GRCh38, 1-based): chr17:31,219,084, C>T. VCF-style: chr17-31219084-C-T. GRCh37 (hg19) VCF-style: chr17-29546102-C-T.
Other names: c.1607C>T, p.Ser536Leu (NM_001128147.3, NM_000267.4); short protein forms S536L.
Identifiers: ClinVar variation 839398 (VCV000839398.9), dbSNP rs1555612859, ClinGen allele CA399001995.